The following is an entry in ClinVar:

ClinVar aggregate classification (germline): Likely benign (0 of 4 stars; one submission).

Conditions:
TMEM107-related disorder. Also called: TMEM107-related condition.

Allele frequency attached by ClinVar (database versions not stated): 1000 Genomes Project 0.00100; 1000 Genomes Project 30x 0.00109; ESP Exome Variant Server 0.00192.
gnomAD v4.1: 445 of 760,412 alleles (0.059%); highest among the groups gnomAD compares: African/African-American, 0.64%; 2 homozygotes.

Submission:

PreventionGenetics, part of Exact Sciences
Classification: Likely benign for TMEM107-related condition. Last evaluated: 2023-12-28. Review status: no assertion criteria provided. Collection method: clinical testing. Allele origin: germline.
Comment: This variant is classified as likely benign based on ACMG/AMP sequence variant interpretation guidelines (Richards et al. 2015 PMID: 25741868, with internal and published modifications).

NM_183065.4(TMEM107):c.*766T>C

Gene: TMEM107 (transmembrane protein 107; minus strand). Cytogenetic location: 17p13.1.
Variant type: single nucleotide variant.
Coding change: c.*766T>C on transcript NM_183065.4 (MANE Select); 766 bases downstream of the stop codon, T replaced by C.
Molecular consequence: 3 prime UTR variant. On other transcripts: non-coding transcript variant (1).
Genome position (GRCh38, 1-based): chr17:8,173,437, A>G on the plus strand (T>C on the coding strand, the complement: TMEM107 is on the minus strand). VCF-style: chr17-8173437-A-G. GRCh37 (hg19) VCF-style: chr17-8076755-A-G.
Other names: c.*766T>C (NM_001351278.2, NM_001351279.2, NM_001351280.2 and 1 more transcripts).
Identifiers: ClinVar variation 3031565 (VCV003031565.2), dbSNP rs138702340, ClinGen allele CA8370525.
Genomic context (GRCh38, chr17:8,173,437, plus strand): 5'-CCAGTCAGAACTTCATAGCTATGTTTGTGGATATCTGCTAATCAGCATAACACAAATGTA[A>G]GTGATCGTCAGAAAGAATCAGACAGGAGCAATCAGGGTGTTGCAAGTCCTGATTACGCAG-3'